The following is an entry in ClinVar:

ClinVar aggregate classification (germline): Uncertain significance. Review status: criteria provided, multiple submitters, no conflicts (2 of 4 stars). 4 submissions from 4 submitters: Uncertain significance (3). 1 of the submissions does not count toward it. Last evaluated 2025-11-13.

Conditions:
Familial hypercholesterolemia. Also called: Familial hypercholesterolaemia; Familial hypercholesterolemias. Identifiers: MedGen C0020445, MONDO:0005439.
Hypocholesterolemia. Identifiers: MedGen C0151718, HP:0003146.
Hypercholesterolemia, autosomal dominant, 3 (FHCL3). Also called: Familial hypercholesterolemia 3; Familial Hypercholesterolemia, Autosomal Dominant, 3; PCSK9-Related Familial Hypercholesterolemia, Autosomal Dominant. Identifiers: MedGen C1863551, MONDO:0011369, OMIM 603776.

gnomAD v4.1: 4 of 1,612,830 alleles (0.00025%); highest among the groups gnomAD compares: Non-Finnish European, 0.00034%; no homozygotes.

Submissions (4):

Labcorp Genetics (formerly Invitae), Labcorp
Classification: Uncertain significance for Hypercholesterolemia, autosomal dominant, 3. Last evaluated: 2025-11-13. Review status: criteria provided, single submitter. Criteria: Invitae Variant Classification Sherloc (09022015). Collection method: clinical testing. Allele origin: germline.
Comment: This sequence change falls in intron 4 of the PCSK9 gene. It does not directly change the encoded amino acid sequence of the PCSK9 protein. The frequency data for this variant in the population databases is considered unreliable, as metrics indicate poor data quality at this position in the gnomAD database. This variant has not been reported in the literature in individuals affected with PCSK9-related conditions. ClinVar contains an entry for this variant (Variation ID: 440717). Algorithms developed to predict the effect of sequence changes on RNA splicing suggest that this variant may create or strengthen a splice site. In summary, the available evidence is currently insufficient to determine the role of this variant in disease. Therefore, it has been classified as a Variant of Uncertain Significance.

Institute of Human Genetics, University of Leipzig Medical Center
Classification: Uncertain significance for Hypercholesterolemia, autosomal dominant, 3. Last evaluated: 2025-04-10. Review status: criteria provided, single submitter. Criteria: ACMG Guidelines, 2015. Collection method: clinical testing. Allele origin: unknown. Inheritance: Autosomal dominant inheritance. Affected: yes.
Comment: Criteria applied: PS4_SUP,PM2_SUP,PP3,PP4

Color Diagnostics, LLC DBA Color Health
Classification: Uncertain significance for Familial hypercholesterolemia. Last evaluated: 2023-11-22. Review status: criteria provided, single submitter. Criteria: ACMG Guidelines, 2015. Collection method: clinical testing. Allele origin: germline.
Comment: This variant causes a G to T nucleotide substitution at the -6 position of intron 4 of the PCSK9 gene. Splice site prediction tools predict that this variant may have a significant impact on RNA splicing. To our knowledge, functional studies have not been reported for this variant. This variant has not been reported in individuals affected with PCSK9-related disorders in the literature. This variant has not been identified in the general population by the Genome Aggregation Database (gnomAD). The available evidence is insufficient to determine the role of this variant in disease conclusively. Therefore, this variant is classified as a Variant of Uncertain Significance.

Laboratorium voor Moleculaire Diagnostiek Experimentele Vasculaire Geneeskunde, Academisch Medisch Centrum
Classification: Pathogenic for Hypocholesterolemia. Review status: no assertion criteria provided. Collection method: research. Allele origin: germline. Not counted in ClinVar's aggregate classification.

NM_174936.4(PCSK9):c.658-6G>T

Gene: PCSK9 (proprotein convertase subtilisin/kexin type 9; plus strand). Cytogenetic location: 1p32.3.
Variant type: single nucleotide variant.
Coding change: c.658-6G>T on transcript NM_174936.4 (MANE Select); 6 bases into the intron before coding-DNA position 658, G replaced by T.
Molecular consequence: intron variant.
Genome position (GRCh38, 1-based): chr1:55,052,644, G>T. VCF-style: chr1-55052644-G-T. GRCh37 (hg19) VCF-style: chr1-55518317-G-T.
Identifiers: ClinVar variation 440717 (VCV000440717.10), dbSNP rs745633457, ClinGen allele CA043918.